The following is an entry in ClinVar:

ClinVar aggregate classification (germline): Pathogenic (1 of 4 stars; one submission).

Submission:

Labcorp Genetics (formerly Invitae), Labcorp
Classification: Pathogenic. Last evaluated: 2023-04-03. Review status: criteria provided, single submitter. Criteria: Invitae Variant Classification Sherloc (09022015). Collection method: clinical testing. Allele origin: germline.
Comment: This sequence change creates a premature translational stop signal (p.Ser63Valfs*47) in the COL4A4 gene. It is expected to result in an absent or disrupted protein product. Loss-of-function variants in COL4A4 are known to be pathogenic (PMID: 21196518, 24854265, 25307543). This variant is not present in population databases (gnomAD no frequency). This variant has not been reported in the literature in individuals affected with COL4A4-related conditions. For these reasons, this variant has been classified as Pathogenic.

Literature cited by the submitters: PubMed 21196518; PubMed 24854265; PubMed 25307543.

NM_000092.5(COL4A4):c.182dup (p.Ser63fs)

Gene: COL4A4 (collagen type IV alpha 4 chain; minus strand). Cytogenetic location: 2q36.3.
Variant type: Duplication.
Coding change: c.182dup on transcript NM_000092.5 (MANE Select); coding-DNA position 182, one base duplicated (A; older notation c.182dupA).
Protein change: p.Ser63fs; shifts the reading frame from serine 63.
Molecular consequence: frameshift variant.
Genome position (GRCh38, 1-based): chr2:227,140,171, T duplicated on the plus strand (A on the coding strand, the reverse complement: COL4A4 is on the minus strand); the first of 4 consecutive T bases (chr2:227,140,171-227,140,174); duplicating any one gives the same sequence. VCF-style (leftmost placement, unchanged base first): chr2-227140170-C-CT. GRCh37 (hg19) VCF-style: chr2-228004886-C-CT.
Other names: short protein forms S63fs.
Identifiers: ClinVar variation 2835921 (VCV002835921.3), dbSNP rs2476899075, ClinGen allele CA2663413648.
Genomic context (GRCh38, chr2:227,140,170, plus strand): 5'-AAGTTCTCAAAATTCAGGAATGCTGCCCATGTTGGTCTTTACATCACTTACCCGAGACCC[C>CT]TTTTCAGGAACACAGTGGCAAACAGAGCAATCTCTTCCTCCACAAGGACCAATGTATTTC-3'